The following is an entry in ClinVar:

NM_032119.4(ADGRV1):c.4150G>A (p.Gly1384Arg)

Gene: ADGRV1 (adhesion G protein-coupled receptor V1; plus strand). Cytogenetic location: 5q14.3.
Variant type: single nucleotide variant.
Coding change: c.4150G>A on transcript NM_032119.4 (MANE Select); coding-DNA position 4150, G replaced by A.
Protein change: p.Gly1384Arg; replaces glycine 1384 with arginine.
Molecular consequence: missense variant. On other transcripts: non-coding transcript variant (1).
Genome position (GRCh38, 1-based): chr5:90,653,724, G>A. VCF-style: chr5-90653724-G-A. GRCh37 (hg19) VCF-style: chr5-89949541-G-A.
Other names: short protein forms G1384R.
Identifiers: ClinVar variation 1946743 (VCV001946743.2), dbSNP rs774744146, ClinGen allele CA3339295.

ClinVar aggregate classification (germline): Uncertain significance (1 of 4 stars; one submission).

Allele frequency attached by ClinVar (database versions not stated): gnomAD exomes 0.00001; ExAC 0.00002.
gnomAD v4.1: 8 of 1,612,806 alleles (0.0005%); highest among the groups gnomAD compares: Non-Finnish European, 0.00059%; no homozygotes.

Submission:

Labcorp Genetics (formerly Invitae), Labcorp
Classification: Uncertain significance. Last evaluated: 2022-09-07. Review status: criteria provided, single submitter. Criteria: Invitae Variant Classification Sherloc (09022015). Collection method: clinical testing. Allele origin: germline.
Comment: This sequence change replaces glycine, which is neutral and non-polar, with arginine, which is basic and polar, at codon 1384 of the ADGRV1 protein (p.Gly1384Arg). This variant is present in population databases (rs774744146, gnomAD 0.002%). This variant has not been reported in the literature in individuals affected with ADGRV1-related conditions. Algorithms developed to predict the effect of missense changes on protein structure and function are either unavailable or do not agree on the potential impact of this missense change (SIFT: "Deleterious"; PolyPhen-2: "Probably Damaging"; Align-GVGD: "Class C0"). In summary, the available evidence is currently insufficient to determine the role of this variant in disease. Therefore, it has been classified as a Variant of Uncertain Significance.